The following is an entry in ClinVar:

ClinVar aggregate classification (germline): Uncertain significance (1 of 4 stars; one submission).

Conditions:
Developmental and epileptic encephalopathy, 11 (DEE11). Also called: Early infantile epileptic encephalopathy 11. Identifiers: Orphanet 1934, MedGen C3150987, MONDO:0013388, OMIM 613721.
Seizures, benign familial infantile, 3 (BFIS3). Also called: CONVULSIONS, BENIGN FAMILIAL INFANTILE, 3; Familial neonatal seizures. Identifiers: Orphanet 140927, Orphanet 306, MedGen C1843140, MONDO:0011904, OMIM 607745.

Submission:

Labcorp Genetics (formerly Invitae), Labcorp
Classification: Uncertain significance for Seizures, benign familial infantile, 3; Developmental and epileptic encephalopathy, 11. Last evaluated: 2024-12-02. Review status: criteria provided, single submitter. Criteria: Invitae Variant Classification Sherloc (09022015). Collection method: clinical testing. Allele origin: germline.
Comment: This sequence change replaces threonine, which is neutral and polar, with lysine, which is basic and polar, at codon 185 of the SCN2A protein (p.Thr185Lys). This variant is not present in population databases (gnomAD no frequency). This variant has not been reported in the literature in individuals affected with SCN2A-related conditions. Invitae Evidence Modeling of protein sequence and biophysical properties (such as structural, functional, and spatial information, amino acid conservation, physicochemical variation, residue mobility, and thermodynamic stability) indicates that this missense variant is expected to disrupt SCN2A protein function with a positive predictive value of 95%. In summary, the available evidence is currently insufficient to determine the role of this variant in disease. Therefore, it has been classified as a Variant of Uncertain Significance.

NM_001040142.2(SCN2A):c.554C>A (p.Thr185Lys)

Gene: SCN2A (sodium voltage-gated channel alpha subunit 2; plus strand). Cytogenetic location: 2q24.3.
Variant type: single nucleotide variant.
Coding change: c.554C>A on transcript NM_001040142.2 (MANE Select); coding-DNA position 554, C replaced by A.
Protein change: p.Thr185Lys; replaces threonine 185 with lysine.
Molecular consequence: missense variant.
Genome position (GRCh38, 1-based): chr2:165,308,743, C>A. VCF-style: chr2-165308743-C-A. GRCh37 (hg19) VCF-style: chr2-166165253-C-A.
Other names: c.554C>A, p.Thr185Lys (NM_001040143.2, NM_001371246.1, NM_001371247.1 and 1 more transcripts); short protein forms T185K.
Identifiers: ClinVar variation 3753650 (VCV003753650.2).
Genomic context (GRCh38, chr2:165,308,743, plus strand): 5'-TTTATACTTTTGAATCACTTATTAAAATACTTGCAAGGGGCTTTTGTTTAGAAGATTTCA[C>A]ATTTTTACGGGATCCATGGAATTGGTTGGATTTCACAGTCATTACTTTTGCGTAAGTATC-3'
Protein context (NP_001035232.1, residues 175-195): LARGFCLEDF[Thr185Lys]FLRDPWNWLD